The following is an entry in ClinVar:

NM_001365536.1(SCN9A):c.5005G>A (p.Val1669Ile)

Genes: SCN9A (sodium voltage-gated channel alpha subunit 9; minus strand), SCN1A-AS1 (SCN1A and SCN9A antisense RNA 1; plus strand). Cytogenetic location: 2q24.3.
Variant type: single nucleotide variant.
Coding change: c.5005G>A on transcript NM_001365536.1 (MANE Select); coding-DNA position 5005, G replaced by A.
Protein change: p.Val1669Ile; replaces valine 1669 with isoleucine.
Molecular consequence: missense variant.
Genome position (GRCh38, 1-based): chr2:166,199,634, C>T on the plus strand (G>A on the coding strand, the complement: SCN9A is on the minus strand). VCF-style: chr2-166199634-C-T. GRCh37 (hg19) VCF-style: chr2-167056144-C-T.
Other names: c.4972G>A, p.Val1658Ile (NM_002977.4); short protein forms V1669I, V1658I.
Identifiers: ClinVar variation 2062022 (VCV002062022.4), dbSNP rs2468878328, ClinGen allele CA349054936.

ClinVar aggregate classification (germline): Uncertain significance (1 of 4 stars; one submission).

Conditions:
Neuropathy, hereditary sensory and autonomic, type 2A (HSAN2A). Also called: HSAN IIA; MORVAN DISEASE; NEUROPATHY, CONGENITAL SENSORY; NEUROPATHY, HEREDITARY SENSORY RADICULAR, AUTOSOMAL RECESSIVE; NEUROPATHY, HEREDITARY SENSORY, TYPE IIA; NEUROPATHY, PROGRESSIVE SENSORY, OF CHILDREN. Identifiers: Orphanet 970, MedGen C2752089, MONDO:0024309, OMIM 201300.
Generalized epilepsy with febrile seizures plus, type 7 (GEFSP7). Also called: GEFS+, TYPE 7. Identifiers: Orphanet 36387, MedGen C2751778, MONDO:0013470, OMIM 613863.

Allele frequency attached by ClinVar (database versions not stated): gnomAD exomes below 0.00001.
gnomAD v4.1: 1 of 1,614,154 alleles (0.000062%); highest among the groups gnomAD compares: East Asian, 0.0022%; no homozygotes.

Submission:

Labcorp Genetics (formerly Invitae), Labcorp
Classification: Uncertain significance for Neuropathy, hereditary sensory and autonomic, type 2A; Generalized epilepsy with febrile seizures plus, type 7. Last evaluated: 2022-04-28. Review status: criteria provided, single submitter. Criteria: Invitae Variant Classification Sherloc (09022015). Collection method: clinical testing. Allele origin: germline.
Comment: In summary, the available evidence is currently insufficient to determine the role of this variant in disease. Therefore, it has been classified as a Variant of Uncertain Significance. Algorithms developed to predict the effect of missense changes on protein structure and function (SIFT, PolyPhen-2, Align-GVGD) all suggest that this variant is likely to be disruptive. This variant has not been reported in the literature in individuals affected with SCN9A-related conditions. This variant is not present in population databases (gnomAD no frequency). This sequence change replaces valine, which is neutral and non-polar, with isoleucine, which is neutral and non-polar, at codon 1658 of the SCN9A protein (p.Val1658Ile).